The following is an entry in ClinVar:

NM_014000.3(VCL):c.482C>G (p.Thr161Arg)

Gene: VCL (vinculin; plus strand). Cytogenetic location: 10q22.2.
Variant type: single nucleotide variant.
Coding change: c.482C>G on transcript NM_014000.3 (MANE Select); coding-DNA position 482, C replaced by G.
Protein change: p.Thr161Arg; replaces threonine 161 with arginine.
Molecular consequence: missense variant.
Genome position (GRCh38, 1-based): chr10:74,071,066, C>G. VCF-style: chr10-74071066-C-G. GRCh37 (hg19) VCF-style: chr10-75830824-C-G.
Other names: c.482C>G, p.Thr161Arg (NM_003373.4); short protein forms T161R.
Identifiers: ClinVar variation 1312612 (VCV001312612.3), dbSNP rs376226543, ClinGen allele CA377266778.

ClinVar aggregate classification (germline): Uncertain significance. Review status: criteria provided, multiple submitters, no conflicts (2 of 4 stars). 2 submissions from 2 submitters: Uncertain significance (2). Last evaluated 2022-02-02.

Conditions:
Hypertrophic cardiomyopathy 15. Identifiers: MedGen C2750459, MONDO:0013200, OMIM 613255.
Dilated cardiomyopathy 1W (CMD1W). Identifiers: Orphanet 154, MedGen C1969639, MONDO:0012667, OMIM 611407.

gnomAD v4.1: 7 of 1,614,084 alleles (0.00043%); highest among the groups gnomAD compares: Non-Finnish European, 0.00059%; no homozygotes.

Submissions (2):

Fulgent Genetics
Classification: Uncertain significance for Dilated cardiomyopathy 1W; Hypertrophic cardiomyopathy 15. Last evaluated: 2022-02-02. Review status: criteria provided, single submitter. Criteria: ACMG Guidelines, 2015. Collection method: clinical testing. Allele origin: unknown.

GeneDx
Classification: Uncertain significance. Last evaluated: 2020-01-17. Review status: criteria provided, single submitter. Criteria: GeneDx Variant Classification Process June 2021. Collection method: clinical testing. Allele origin: germline. Affected: yes.
Comment: Has not been previously published as pathogenic or benign to our knowledge; Not observed in large population cohorts (Lek et al., 2016); In silico analysis, which includes protein predictors and evolutionary conservation, supports a deleterious effect